The following is an entry in ClinVar:

NM_004247.4(EFTUD2):c.1986T>G (p.Phe662Leu)

Gene: EFTUD2 (elongation factor Tu GTP binding domain containing 2; minus strand). Cytogenetic location: 17q21.31.
Variant type: single nucleotide variant.
Coding change: c.1986T>G on transcript NM_004247.4 (MANE Select); coding-DNA position 1986, T replaced by G.
Protein change: p.Phe662Leu; replaces phenylalanine 662 with leucine.
Molecular consequence: missense variant.
Genome position (GRCh38, 1-based): chr17:44,857,134, A>C on the plus strand (T>G on the coding strand, the complement: EFTUD2 is on the minus strand). VCF-style: chr17-44857134-A-C. GRCh37 (hg19) VCF-style: chr17-42934502-A-C.
Other names: c.1881T>G, p.Phe627Leu (NM_001142605.2); c.1986T>G, p.Phe662Leu (NM_001258353.2); c.1956T>G, p.Phe652Leu (NM_001258354.2); short protein forms F652L, F627L, F662L.
Identifiers: ClinVar variation 4742403 (VCV004742403.1).

ClinVar aggregate classification (germline): Uncertain significance (1 of 4 stars; one submission).

Submission:

Labcorp Genetics (formerly Invitae), Labcorp
Classification: Uncertain significance. Last evaluated: 2026-01-28. Review status: criteria provided, single submitter. Criteria: Invitae Variant Classification Sherloc (09022015). Collection method: clinical testing. Allele origin: germline.
Comment: This sequence change replaces phenylalanine, which is neutral and non-polar, with leucine, which is neutral and non-polar, at codon 662 of the EFTUD2 protein (p.Phe662Leu). This variant is not present in population databases (gnomAD no frequency). This variant has not been reported in the literature in individuals affected with EFTUD2-related conditions. Invitae Evidence Modeling of protein sequence and biophysical properties (such as structural, functional, and spatial information, amino acid conservation, physicochemical variation, residue mobility, and thermodynamic stability) indicates that this missense variant is not expected to disrupt EFTUD2 protein function with a negative predictive value of 80%. In summary, the available evidence is currently insufficient to determine the role of this variant in disease. Therefore, it has been classified as a Variant of Uncertain Significance.